The following is an entry in ClinVar:

ClinVar aggregate classification (germline): Uncertain significance. Review status: criteria provided, multiple submitters, no conflicts (2 of 4 stars). 2 submissions from 2 submitters: Uncertain significance (2). Last evaluated 2025-09-22.

Conditions:
SLCO1B3-related disorder. Also called: SLCO1B3-related condition.

gnomAD v4.1: 2 of 1,604,598 alleles (0.00012%); highest among the groups gnomAD compares: South Asian, 0.0011%; no homozygotes.

Submissions (2):

Ambry Genetics
Classification: Uncertain significance. Last evaluated: 2025-09-22. Review status: criteria provided, single submitter. Criteria: Ambry Variant Classification Scheme 2023. Collection method: clinical testing. Allele origin: germline.

PreventionGenetics, part of Exact Sciences
Classification: Uncertain significance for SLCO1B3-related condition. Last evaluated: 2025-08-12. Review status: criteria provided, single submitter. Criteria: ACMG Guidelines, 2015. Collection method: clinical testing. Allele origin: germline.
Comment: The SLCO1B3 c.316A>G variant is predicted to result in the amino acid substitution p.Thr106Ala. To our knowledge, this variant has not been reported in the literature, This variant is absent in a large population database (gnomAD), indicating this variant is rare. At this time, the clinical significance of this variant is uncertain due to the absence of conclusive functional and genetic evidence.

NM_019844.4(SLCO1B3):c.316A>G (p.Thr106Ala)

Genes: SLCO1B3 (solute carrier organic anion transporter family member 1B3; plus strand), SLCO1B3-SLCO1B7 (SLCO1B3-SLCO1B7 readthrough; plus strand). Cytogenetic location: 12p12.2.
Variant type: single nucleotide variant.
Coding change: c.316A>G on transcript NM_019844.4 (MANE Select); coding-DNA position 316, A replaced by G.
Protein change: p.Thr106Ala; replaces threonine 106 with alanine.
Molecular consequence: missense variant.
Genome position (GRCh38, 1-based): chr12:20,858,528, A>G. VCF-style: chr12-20858528-A-G. GRCh37 (hg19) VCF-style: chr12-21011462-A-G.
Other names: c.316A>G, p.Thr106Ala (NM_001371097.1); c.232A>G, p.Thr78Ala (NM_001349920.2); c.316A>G (NM_019844.3); short protein forms T78A, T106A.
Identifiers: ClinVar variation 4586480 (VCV004586480.2).